The following is an entry in ClinVar:

ClinVar aggregate classification (germline): Uncertain significance. Review status: criteria provided, multiple submitters, no conflicts (2 of 4 stars). 2 submissions from 2 submitters: Uncertain significance (2). Last evaluated 2025-04-30.

Submissions (2):

GeneDx
Classification: Uncertain significance. Last evaluated: 2025-04-30. Review status: criteria provided, single submitter. Criteria: GeneDx Variant Classification Process June 2021. Collection method: clinical testing. Allele origin: germline. Affected: yes.
Comment: Not observed at significant frequency in large population cohorts (gnomAD); In silico analysis supports that this missense variant has a deleterious effect on protein structure/function; Has not been previously published as pathogenic or benign to our knowledge

Labcorp Genetics (formerly Invitae), Labcorp
Classification: Uncertain significance. Last evaluated: 2025-01-20. Review status: criteria provided, single submitter. Criteria: Invitae Variant Classification Sherloc (09022015). Collection method: clinical testing. Allele origin: germline.
Comment: This sequence change replaces lysine, which is basic and polar, with threonine, which is neutral and polar, at codon 489 of the OPA1 protein (p.Lys489Thr). This variant is not present in population databases (gnomAD no frequency). This variant has not been reported in the literature in individuals affected with OPA1-related conditions. ClinVar contains an entry for this variant (Variation ID: 2113237). Invitae Evidence Modeling of protein sequence and biophysical properties (such as structural, functional, and spatial information, amino acid conservation, physicochemical variation, residue mobility, and thermodynamic stability) indicates that this missense variant is not expected to disrupt OPA1 protein function with a negative predictive value of 80%. In summary, the available evidence is currently insufficient to determine the role of this variant in disease. Therefore, it has been classified as a Variant of Uncertain Significance.

NM_130837.3(OPA1):c.1631A>C (p.Lys544Thr)

Gene: OPA1 (OPA1 mitochondrial dynamin like GTPase; plus strand). Cytogenetic location: 3q29.
Variant type: single nucleotide variant.
Coding change: c.1631A>C on transcript NM_130837.3 (MANE Select); coding-DNA position 1631, A replaced by C.
Protein change: p.Lys544Thr; replaces lysine 544 with threonine.
Molecular consequence: missense variant.
Genome position (GRCh38, 1-based): chr3:193,645,575, A>C. VCF-style: chr3-193645575-A-C. GRCh37 (hg19) VCF-style: chr3-193363364-A-C.
Other names: c.1097A>C, p.Lys366Thr (NM_001354663.2); c.1094A>C, p.Lys365Thr (NM_001354664.2); c.1466A>C, p.Lys489Thr (NM_015560.3); c.1358A>C, p.Lys453Thr (NM_130831.3); c.1412A>C, p.Lys471Thr (NM_130832.3); c.1469A>C, p.Lys490Thr (NM_130833.3); c.1520A>C, p.Lys507Thr (NM_130834.3); c.1523A>C, p.Lys508Thr (NM_130835.3); and 1 more; short protein forms K453T, K489T, K508T, K366T, K471T, K490T, K507T, K526T.
Identifiers: ClinVar variation 2113237 (VCV002113237.5), dbSNP rs2474900873, ClinGen allele CA355790035.